The following is an entry in ClinVar:

ClinVar aggregate classification (germline): Pathogenic. Review status: criteria provided, multiple submitters, no conflicts (2 of 4 stars). 2 submissions from 2 submitters: Pathogenic (2). Last evaluated 2026-01-19.

Conditions:
Mitochondrial complex IV deficiency, nuclear type 1 (MC4DN1). Also called: Mitochondrial complex IV deficiency; Complex 4 mitochondrial respiratory chain deficiency; Deficiency of mitochondrial respiratory chain complex4; Complex IV deficiency; COX DEFICIENCY. Identifiers: MedGen C5435656, MONDO:0700250, OMIM 220110. Disease mechanism: loss of function.
Leigh syndrome (NULS). Also called: Subacute necrotizing encephalopathy; Necrotizing encephalopathy infantile subacute of Leigh; Leigh Syndrome (mtDNA deletion); LEIGH SYNDROME, NUCLEAR; Leigh's necrotizing encephalopathy; Leigh's disease. Identifiers: Orphanet 506, MedGen C2931891, MONDO:0009723, OMIM 256000.

Submissions (2):

Labcorp Genetics (formerly Invitae), Labcorp
Classification: Pathogenic for Leigh syndrome. Last evaluated: 2026-01-19. Review status: criteria provided, single submitter. Criteria: Invitae Variant Classification Sherloc (09022015). Collection method: clinical testing. Allele origin: germline.
Comment: This sequence change creates a premature translational stop signal (p.Gln63*) in the SURF1 gene. It is expected to result in an absent or disrupted protein product. Loss-of-function variants in SURF1 are known to be pathogenic (PMID: 10443880, 22488715, 24027061). This variant is not present in population databases (gnomAD no frequency). This variant has not been reported in the literature in individuals affected with SURF1-related conditions. ClinVar contains an entry for this variant (Variation ID: 2413161). Algorithms developed to predict the effect of sequence changes on RNA splicing suggest that this variant may disrupt the consensus splice site. For these reasons, this variant has been classified as Pathogenic.

Laboratory of Inherited Metabolic Diseases, Research centre for medical genetics
Classification: Pathogenic for Mitochondrial complex IV deficiency, nuclear type 1. Last evaluated: 2023-01-31. Review status: criteria provided, single submitter. Criteria: ACMG Guidelines, 2015. Collection method: clinical testing. Allele origin: unknown. Inheritance: Autosomal recessive inheritance. Affected: yes. Observed: 1 variant allele.

Literature cited by the submitters: PubMed 10443880 (cited by Labcorp Genetics (formerly Invitae), Labcorp); PubMed 22488715 (cited by Labcorp Genetics (formerly Invitae), Labcorp); PubMed 24027061 (cited by Labcorp Genetics (formerly Invitae), Labcorp).

NM_003172.4(SURF1):c.187C>T (p.Gln63Ter)

Gene: SURF1 (SURF1 cytochrome c oxidase assembly factor; minus strand). Cytogenetic location: 9q34.2.
Variant type: single nucleotide variant.
Coding change: c.187C>T on transcript NM_003172.4 (MANE Select); coding-DNA position 187, C replaced by T.
Protein change: p.Gln63Ter; replaces glutamine 63 with a stop codon.
Molecular consequence: nonsense. On other transcripts: 5 prime UTR variant (1).
Genome position (GRCh38, 1-based): chr9:133,354,877, G>A on the plus strand (C>T on the coding strand, the complement: SURF1 is on the minus strand). VCF-style: chr9-133354877-G-A. GRCh37 (hg19) VCF-style: chr9-136221732-G-A.
Other names: c.-141C>T (NM_001280787.1); short protein forms Q63*.
Identifiers: ClinVar variation 2413161 (VCV002413161.3), dbSNP rs2490623421, ClinGen allele CA375694823.
Genomic context (GRCh38, chr9:133,354,877, plus strand): 5'-TCTTTACCTGCCATGTCCCCAAGCCAAAGGCAGTCACAGGGATGAGGAGCAGGACCCACT[G>A]AAGAAAGGAGTCATCTTCCGCTTTTGTGGCAGATGCTTCTGCTGCAGAACTGCCACATCT-3'